The following is an entry in ClinVar:

NM_021098.3(CACNA1H):c.5935C>G (p.Leu1979Val)

Gene: CACNA1H (calcium voltage-gated channel subunit alpha1 H; plus strand). Cytogenetic location: 16p13.3.
Variant type: single nucleotide variant.
Coding change: c.5935C>G on transcript NM_021098.3 (MANE Select); coding-DNA position 5935, C replaced by G.
Protein change: p.Leu1979Val; replaces leucine 1979 with valine.
Molecular consequence: missense variant.
Genome position (GRCh38, 1-based): chr16:1,219,017, C>G. VCF-style: chr16-1219017-C-G. GRCh37 (hg19) VCF-style: chr16-1269017-C-G.
Other names: c.5917C>G, p.Leu1973Val (NM_001005407.2); short protein forms L1979V, L1973V.
Identifiers: ClinVar variation 2929414 (VCV002929414.3), dbSNP rs1442428826, ClinGen allele CA394148196.

ClinVar aggregate classification (germline): Uncertain significance (1 of 4 stars; one submission).

Conditions:
Idiopathic generalized epilepsy. Also called: Generalised epilepsy; EIG. Identifiers: MedGen C0270850, MONDO:0005579, OMIM 600669.
Hyperaldosteronism, familial, type IV (HALD4). Also called: FH IV; ALDOSTERONISM, PRIMARY, AND HYPERTENSION. Identifiers: Orphanet 642671, MedGen C4310756, MONDO:0014875, OMIM 617027.

Allele frequency attached by ClinVar (database versions not stated): gnomAD 0.00001; TOPMed 0.00001.

Submission:

Labcorp Genetics (formerly Invitae), Labcorp
Classification: Uncertain significance for Idiopathic generalized epilepsy; Hyperaldosteronism, familial, type IV. Last evaluated: 2022-11-24. Review status: criteria provided, single submitter. Criteria: Invitae Variant Classification Sherloc (09022015). Collection method: clinical testing. Allele origin: germline.
Comment: This sequence change replaces leucine, which is neutral and non-polar, with valine, which is neutral and non-polar, at codon 1979 of the CACNA1H protein (p.Leu1979Val). This variant is not present in population databases (gnomAD no frequency). This variant has not been reported in the literature in individuals affected with CACNA1H-related conditions. Advanced modeling of protein sequence and biophysical properties (such as structural, functional, and spatial information, amino acid conservation, physicochemical variation, residue mobility, and thermodynamic stability) performed at Invitae indicates that this missense variant is not expected to disrupt CACNA1H protein function. Algorithms developed to predict the effect of sequence changes on RNA splicing suggest that this variant may disrupt the consensus splice site. In summary, the available evidence is currently insufficient to determine the role of this variant in disease. Therefore, it has been classified as a Variant of Uncertain Significance.